The following is an entry in ClinVar:

NM_001379081.2(FREM1):c.3955C>T (p.Pro1319Ser)

Gene: FREM1 (FRAS1 related extracellular matrix 1; minus strand). Cytogenetic location: 9p22.3.
Variant type: single nucleotide variant.
Coding change: c.3955C>T on transcript NM_001379081.2 (MANE Select); coding-DNA position 3955, C replaced by T.
Protein change: p.Pro1319Ser; replaces proline 1319 with serine.
Molecular consequence: missense variant. On other transcripts: non-coding transcript variant (2).
Genome position (GRCh38, 1-based): chr9:14,792,769, G>A on the plus strand (C>T on the coding strand, the complement: FREM1 is on the minus strand). VCF-style: chr9-14792769-G-A. GRCh37 (hg19) VCF-style: chr9-14792767-G-A.
Other names: c.3955C>T, p.Pro1319Ser (NM_144966.7); c.3955C>T (NM_144966.5); short protein forms P1319S.
Identifiers: ClinVar variation 2659081 (VCV002659081.25), dbSNP rs377011197, ClinGen allele CA4990358.
Genomic context (GRCh38, chr9:14,792,769, plus strand): 5'-TAGTTTTGAAAAATAAAAGTAAGAAGTCACTAACCTTAAGCTGAAGTTGCCCATTTTGGG[G>A]AAGCCTTTCAAATACATAGTAAATCTTCTCCCTGGGTGAGTCTTCATCTATGGCTGAAAG-3'
Protein context (NP_001366010.1, residues 1309-1329): EKIYYVFERL[Pro1319Ser]QNGQLQLKIG

ClinVar aggregate classification (germline): Uncertain significance. Review status: criteria provided, multiple submitters, no conflicts (2 of 4 stars). 2 submissions from 2 submitters: Uncertain significance (2). Last evaluated 2024-01-08.

Conditions:
BNAR syndrome. Also called: Bifid Nose With or Without Anorectal and Renal Anomalies (BNAR) Syndrome. Identifiers: Orphanet 217266, MedGen C2750433, MONDO:0012165, OMIM 608980.
Oculotrichoanal syndrome (MOTA). Also called: Manitoba Oculotrichoanal (MOTA) Syndrome; MARLES SYNDROME. Identifiers: Orphanet 2717, MedGen C1855425, MONDO:0009560, OMIM 248450.
Trigonocephaly 2 (TRIGNO2). Identifiers: Orphanet 3366, MedGen C3280974, MONDO:0013774, OMIM 614485.

Allele frequency attached by ClinVar (database versions not stated): ExAC 0.00008; ESP Exome Variant Server 0.00008; TOPMed 0.00018; gnomAD 0.00020; gnomAD exomes 0.00020.
gnomAD v4.1: 314 of 1,599,822 alleles (0.02%); highest among the groups gnomAD compares: Non-Finnish European, 0.025%; 1 homozygote.

Submissions (2):

Fulgent Genetics
Classification: Uncertain significance for Oculotrichoanal syndrome; BNAR syndrome; Trigonocephaly 2. Last evaluated: 2024-01-08. Review status: criteria provided, single submitter. Criteria: ACMG Guidelines, 2015. Collection method: clinical testing. Allele origin: germline.

CeGaT Center for Human Genetics Tuebingen
Classification: Uncertain significance. Last evaluated: 2023-12-01. Review status: criteria provided, single submitter. Criteria: CeGaT Center For Human Genetics Tuebingen Variant Classification Criteria Version 2. Collection method: clinical testing. Allele origin: germline. Affected: yes. Observed: 1 variant allele.
Comment: FREM1: PM2